The following is an entry in ClinVar:

ClinVar aggregate classification (germline): Likely pathogenic (1 of 4 stars; one submission).

Conditions:
Malignant tumor of breast. Also called: Malignant breast neoplasm; Cancer breast. Identifiers: MedGen C0006142, MONDO:0007254. Disease mechanism: loss of function.

Submission:

Women's Health and Genetics/Laboratory Corporation of America, LabCorp
Classification: Likely pathogenic for breast cancer. Last evaluated: 2020-07-03. Review status: criteria provided, single submitter. Criteria: LabCorp Variant Classification Summary - May 2015. Collection method: clinical testing. Allele origin: germline.
Comment: Variant summary: ATM c.3542_3543delAA (p.Lys1181ArgfsX18) results in a premature termination codon, predicted to cause a truncation of the encoded protein or absence of the protein due to nonsense mediated decay, which are commonly known mechanisms for disease. Truncations downstream of this position have been classified as pathogenic by our laboratory. Another variant at the same location, NM_000051.3(ATM):c.3541A>T (p.Lys1181Ter) has been reported in individuals with Ataxia Telangectasia. The variant allele was found at a frequency of 4e-06 in 251350 control chromosomes. To our knowledge, no occurrence of c.3542_3543delAA in individuals affected with Breast Cancer or Ataxia Telangectasia and no experimental evidence demonstrating its impact on protein function have been reported. No clinical diagnostic laboratories have submitted clinical-significance assessments for this variant to ClinVar after 2014. Based on the evidence outlined above, the variant was classified as likely pathogenic.

NM_000051.4(ATM):c.3542_3543del (p.Lys1181fs)

Gene: ATM (ATM serine/threonine kinase; plus strand). Cytogenetic location: 11q22.3.
Variant type: Deletion.
Coding change: c.3542_3543del on transcript NM_000051.4 (MANE Select); coding-DNA positions 3542 to 3543, 2 bases deleted (AA; older notation c.3542_3543delAA).
Protein change: p.Lys1181fs; shifts the reading frame from lysine 1181.
Molecular consequence: frameshift variant.
Genome position (GRCh38, 1-based): chr11:108,281,134-108,281,135, AA deleted; deleting any 2 consecutive bases within chr11:108,281,133-108,281,135 gives the same sequence; the c. name uses the placement nearest the transcript's 3' end. VCF-style (leftmost placement, unchanged base first): chr11-108281132-GAA-G. GRCh37 (hg19) VCF-style: chr11-108151859-GAA-G.
Other names: c.3542_3543del, p.Lys1181fs (NM_001351834.2); short protein forms K1181fs.
Identifiers: ClinVar variation 974998 (VCV000974998.2), dbSNP rs746598992, ClinGen allele CA6265304.
Genomic context (GRCh38, chr11:108,281,132, plus strand): 5'-GGTTTTATCCTGTAGCCCTATCTGCGAAAAACAGGCTTTGTTTGCCCTGTGTAAATCTGT[GAA>G]AGAGAATGGATTAGAACCTCACCTTGTGAAAAAGGTATATATGGATGAGTATTTTATTAG-3'